The following is an entry in ClinVar:

ClinVar aggregate classification (germline): Uncertain significance (1 of 4 stars; one submission).

Submission:

GeneDx
Classification: Uncertain significance. Last evaluated: 2024-02-05. Review status: criteria provided, single submitter. Criteria: GeneDx Variant Classification Process June 2021. Collection method: clinical testing. Allele origin: germline. Affected: yes.
Comment: Not observed at significant frequency in large population cohorts (gnomAD); In silico analysis supports that this missense variant has a deleterious effect on protein structure/function; Has not been previously published as pathogenic or benign to our knowledge

NM_020706.2(SCAF4):c.1832A>T (p.Glu611Val)

Gene: SCAF4 (SR-related CTD associated factor 4; minus strand). Cytogenetic location: 21q22.11.
Variant type: single nucleotide variant.
Coding change: c.1832A>T on transcript NM_020706.2 (MANE Select); coding-DNA position 1832, A replaced by T.
Protein change: p.Glu611Val; replaces glutamic acid 611 with valine.
Molecular consequence: missense variant.
Genome position (GRCh38, 1-based): chr21:31,690,850, T>A on the plus strand (A>T on the coding strand, the complement: SCAF4 is on the minus strand). VCF-style: chr21-31690850-T-A. GRCh37 (hg19) VCF-style: chr21-33063163-T-A.
Other names: c.1787A>T, p.Glu596Val (NM_001145444.1); c.1832A>T, p.Glu611Val (NM_001145445.1); short protein forms E596V, E611V.
Identifiers: ClinVar variation 3368832 (VCV003368832.1).